The following is an entry in ClinVar:

NM_003334.4(UBA1):c.118-1G>C

Genes: UBA1 (ubiquitin like modifier activating enzyme 1; plus strand), LOC126863253 (CDK7 strongly-dependent group 2 enhancer GRCh37_chrX:47057593-47058792; plus strand). Cytogenetic location: Xp11.3.
Variant type: single nucleotide variant.
Coding change: c.118-1G>C on transcript NM_003334.4 (MANE Select); the canonical splice acceptor site of the intron before coding-DNA position 118, G replaced by C.
Molecular consequence: splice acceptor variant.
Genome position (GRCh38, 1-based): chrX:47,199,047, G>C. VCF-style: chrX-47199047-G-C. GRCh37 (hg19) VCF-style: chrX-47058446-G-C.
Other names: IVS2AS, G-C, -1; c.118-1G>C (NM_153280.3).
Identifiers: ClinVar variation 1298353 (VCV001298353.5), dbSNP rs2147250287, ClinGen allele CA412786618.

ClinVar aggregate classification (germline): Conflicting classifications of pathogenicity. Review status: criteria provided, conflicting classifications (1 of 4 stars). 3 submissions from 3 submitters: Pathogenic (1); Uncertain significance (1). 1 of the submissions does not count toward it. Last evaluated 2025-10-19.

Conditions:
UBA1-related disorder. Also called: UBA1-related condition.
Infantile-onset X-linked spinal muscular atrophy. Also called: Spinal Muscular Atrophy, X-Linked Infantile; SPINAL MUSCULAR ATROPHY, X-LINKED LETHAL INFANTILE; Spinal muscular atrophy, X-linked 2; AMC, DISTAL, X-LINKED; ARTHROGRYPOSIS, X-LINKED, TYPE I. Identifiers: Orphanet 1145, MedGen C1844934, MONDO:0010532, OMIM 301830.
VEXAS syndrome. Identifiers: Orphanet 596753, MedGen C5435753, MONDO:0026777, OMIM 301054.

Submissions (3):

Labcorp Genetics (formerly Invitae), Labcorp
Classification: Uncertain significance for Infantile-onset X-linked spinal muscular atrophy. Last evaluated: 2025-10-19. Review status: criteria provided, single submitter. Criteria: Invitae Variant Classification Sherloc (09022015). Collection method: clinical testing. Allele origin: germline.
Comment: This sequence change affects an acceptor splice site in intron 2 of the UBA1 gene. It is expected to disrupt RNA splicing. Variants that disrupt the donor or acceptor splice site typically lead to a loss of protein function (PMID: 16199547), however the current clinical and genetic evidence is not sufficient to establish whether loss-of-function variants in UBA1 cause disease. This variant is not present in population databases (gnomAD no frequency). This variant has been reported as a recurrent somatic variant in individuals with VEXAS (vacuoles, E1 enzyme, X-linked, autoinflammatory, somatic) syndrome (PMID: 33690815), but has not been reported as a germline variant. ClinVar contains an entry for this variant (Variation ID: 1298353). Algorithms developed to predict the effect of sequence changes on RNA splicing suggest that this variant may disrupt the consensus splice site. In summary, the available evidence is currently insufficient to determine the role of this variant in disease. Therefore, it has been classified as a Variant of Uncertain Significance.

Blueprint Genetics
Classification: Pathogenic for UBA1-related disorders. Last evaluated: 2023-03-17. Review status: criteria provided, single submitter. Criteria: ACMG Guidelines, 2015. Collection method: clinical testing. Allele origin: germline. Affected: yes. Observed: 1 variant allele.

OMIM
Classification: Pathogenic for VEXAS SYNDROME, SOMATIC. Last evaluated: 2021-09-30. Review status: no assertion criteria provided. Collection method: literature only. Allele origin: somatic. Not counted in ClinVar's aggregate classification.

Literature cited by the submitters: PubMed 16199547 (cited by Labcorp Genetics (formerly Invitae), Labcorp); PubMed 33690815 (cited by Labcorp Genetics (formerly Invitae), Labcorp and OMIM).